The following is an entry in ClinVar:

NM_182961.4(SYNE1):c.20104A>G (p.Ser6702Gly)

Gene: SYNE1 (spectrin repeat containing nuclear envelope protein 1; minus strand). Cytogenetic location: 6q25.2.
Variant type: single nucleotide variant.
Coding change: c.20104A>G on transcript NM_182961.4 (MANE Select); coding-DNA position 20104, A replaced by G.
Protein change: p.Ser6702Gly; replaces serine 6702 with glycine.
Molecular consequence: missense variant.
Genome position (GRCh38, 1-based): chr6:152,236,912, T>C on the plus strand (A>G on the coding strand, the complement: SYNE1 is on the minus strand). VCF-style: chr6-152236912-T-C. GRCh37 (hg19) VCF-style: chr6-152558047-T-C.
Other names: c.19891A>G, p.Ser6631Gly (NM_033071.5); short protein forms S6702G, S6631G.
Identifiers: ClinVar variation 1035899 (VCV001035899.6), dbSNP rs2084228622, ClinGen allele CA366123749.

ClinVar aggregate classification (germline): Uncertain significance (1 of 4 stars; one submission).

Conditions:
Emery-Dreifuss muscular dystrophy 4, autosomal dominant (EDMD4). Also called: EMERY-DREIFUSS MUSCULAR DYSTROPHY 4 WITH VARIABLE FEATURES. Identifiers: Orphanet 261, MedGen C2751807, MONDO:0013071, OMIM 612998.
Autosomal recessive ataxia, Beauce type. Also called: Spinocerebellar ataxia, autosomal recessive 8; ATAXIA, RECESSIVE, OF BEAUCE; SYNE1 Deficiency; SYNE1-Related Autosomal Recessive Cerebellar Ataxia. Identifiers: Orphanet 88644, MedGen C1853116, MONDO:0012549, OMIM 610743.

Submission:

Labcorp Genetics (formerly Invitae), Labcorp
Classification: Uncertain significance for Emery-Dreifuss muscular dystrophy 4, autosomal dominant; Autosomal recessive ataxia, Beauce type. Last evaluated: 2022-06-20. Review status: criteria provided, single submitter. Criteria: Invitae Variant Classification Sherloc (09022015). Collection method: clinical testing. Allele origin: germline.
Comment: This sequence change replaces serine, which is neutral and polar, with glycine, which is neutral and non-polar, at codon 6631 of the SYNE1 protein (p.Ser6631Gly). This variant is not present in population databases (gnomAD no frequency). This variant has not been reported in the literature in individuals affected with SYNE1-related conditions. ClinVar contains an entry for this variant (Variation ID: 1035899). Algorithms developed to predict the effect of missense changes on protein structure and function output the following: SIFT: "Tolerated"; PolyPhen-2: "Benign"; Align-GVGD: "Class C0". The glycine amino acid residue is found in multiple mammalian species, which suggests that this missense change does not adversely affect protein function. In summary, the available evidence is currently insufficient to determine the role of this variant in disease. Therefore, it has been classified as a Variant of Uncertain Significance.